The following is an entry in ClinVar:

ClinVar aggregate classification (germline): Uncertain significance (1 of 4 stars; one submission).

Conditions:
Limb-girdle muscular dystrophy due to POMK deficiency. Also called: Muscular dystrophy-dystroglycanopathy (limb-girdle), type c, 12; MUSCULAR DYSTROPHY-DYSTROGLYCANOPATHY, LIMB-GIRDLE, POMK-RELATED. Identifiers: Orphanet 445110, MedGen C4015184, MONDO:0014489, OMIM 616094.
Muscular dystrophy-dystroglycanopathy (congenital with brain and eye anomalies), type a, 12 (MDDGA12). Also called: WALKER-WARBURG SYNDROME OR MUSCLE-EYE-BRAIN DISEASE, POMK-RELATED. Identifiers: Orphanet 899, MedGen C3808964, MONDO:0014101, OMIM 615249.

Submission:

Labcorp Genetics (formerly Invitae), Labcorp
Classification: Uncertain significance for Muscular dystrophy-dystroglycanopathy (congenital with brain and eye anomalies), type a, 12; Limb-girdle muscular dystrophy due to POMK deficiency. Last evaluated: 2021-07-24. Review status: criteria provided, single submitter. Criteria: Invitae Variant Classification Sherloc (09022015). Collection method: clinical testing. Allele origin: germline.
Comment: In summary, the available evidence is currently insufficient to determine the role of this variant in disease. Therefore, it has been classified as a Variant of Uncertain Significance. Algorithms developed to predict the effect of missense changes on protein structure and function output the following: SIFT: "Tolerated"; PolyPhen-2: "Benign"; Align-GVGD: "Class C0". The arginine amino acid residue is found in multiple mammalian species, which suggests that this missense change does not adversely affect protein function. This variant has not been reported in the literature in individuals affected with POMK-related conditions. This variant is not present in population databases (ExAC no frequency). This sequence change replaces lysine with arginine at codon 116 of the POMK protein (p.Lys116Arg). The lysine residue is moderately conserved and there is a small physicochemical difference between lysine and arginine.

NM_032237.5(POMK):c.347A>G (p.Lys116Arg)

Gene: POMK (protein O-mannose kinase; plus strand). Cytogenetic location: 8p11.21.
Variant type: single nucleotide variant.
Coding change: c.347A>G on transcript NM_032237.5 (MANE Select); coding-DNA position 347, A replaced by G.
Protein change: p.Lys116Arg; replaces lysine 116 with arginine.
Molecular consequence: missense variant.
Genome position (GRCh38, 1-based): chr8:43,122,171, A>G. VCF-style: chr8-43122171-A-G. GRCh37 (hg19) VCF-style: chr8-42977314-A-G.
Other names: c.347A>G, p.Lys116Arg (NM_001277971.2); short protein forms K116R.
Identifiers: ClinVar variation 1396707 (VCV001396707.8), dbSNP rs2130626356, ClinGen allele CA371121188.